The following is an entry in ClinVar:

NM_001458.5(FLNC):c.4950G>C (p.Leu1650=)

Gene: FLNC (filamin C; plus strand). Cytogenetic location: 7q32.1.
Variant type: single nucleotide variant.
Coding change: c.4950G>C on transcript NM_001458.5 (MANE Select); coding-DNA position 4950, G replaced by C.
Protein change: p.Leu1650=; no amino-acid change (leucine 1650 retained).
Molecular consequence: synonymous variant.
Genome position (GRCh38, 1-based): chr7:128,849,203, G>C. VCF-style: chr7-128849203-G-C. GRCh37 (hg19) VCF-style: chr7-128489257-G-C.
Other names: c.4950G>C, p.Leu1650= (NM_001127487.2).
Identifiers: ClinVar variation 4812538 (VCV004812538.1).

ClinVar aggregate classification (germline): Uncertain significance (1 of 4 stars; one submission).

Conditions:
Hypertrophic cardiomyopathy 26. Also called: Cardiomyopathy, familial hypertrophic, 26. Identifiers: Orphanet 75249, MedGen C4310749, MONDO:0014883, OMIM 617047.
Myofibrillar myopathy 5. Also called: Filaminopathy (type); FILAMINOPATHY, AUTOSOMAL DOMINANT. Identifiers: Orphanet 171445, MedGen C1836050, MONDO:0012289, OMIM 609524.
Distal myopathy with posterior leg and anterior hand involvement. Also called: WILLIAMS DISTAL MYOPATHY. Identifiers: Orphanet 63273, MedGen C3279722, MONDO:0013550, OMIM 614065.

Submission:

Labcorp Genetics (formerly Invitae), Labcorp
Classification: Uncertain significance for Distal myopathy with posterior leg and anterior hand involvement; Myofibrillar myopathy 5; Hypertrophic cardiomyopathy 26. Last evaluated: 2025-10-16. Review status: criteria provided, single submitter. Criteria: Invitae Variant Classification Sherloc (09022015). Collection method: clinical testing. Allele origin: germline.
Comment: This sequence change affects codon 1650 of the FLNC mRNA. It is a 'silent' change, meaning that it does not change the encoded amino acid sequence of the FLNC protein. It affects a nucleotide within the consensus splice site. This variant is not present in population databases (gnomAD no frequency). This variant has not been reported in the literature in individuals affected with FLNC-related conditions. Algorithms developed to predict the effect of sequence changes on RNA splicing suggest that this variant is not likely to affect RNA splicing. In summary, the available evidence is currently insufficient to determine the role of this variant in disease. Therefore, it has been classified as a Variant of Uncertain Significance.